The following is an entry in ClinVar:

NM_004186.5(SEMA3F):c.1746-9C>T

Gene: SEMA3F (semaphorin 3F; plus strand). Cytogenetic location: 3p21.31.
Variant type: single nucleotide variant.
Coding change: c.1746-9C>T on transcript NM_004186.5 (MANE Select); 9 bases into the intron before coding-DNA position 1746, C replaced by T.
Molecular consequence: intron variant.
Genome position (GRCh38, 1-based): chr3:50,186,272, C>T. VCF-style: chr3-50186272-C-T. GRCh37 (hg19) VCF-style: chr3-50223705-C-T.
Other names: c.1449-9C>T (NM_001318798.2); c.1653-9C>T (NM_001318800.2).
Identifiers: ClinVar variation 3354010 (VCV003354010.1).
Genomic context (GRCh38, chr3:50,186,272, plus strand): 5'-CAGGGAGATACAGGGACCTGGGGGGGCAAGCTTCCTGGGAGCACTCCTTCAGGGGCTATC[C>T]TCATCCAGGCGGAGCCGCCGGCAGGACGTCCGGCACGGAAACCCCATCAGGCAGTGCCGT-3'

ClinVar aggregate classification (germline): Likely benign (0 of 4 stars; one submission).

Conditions:
SEMA3F-related disorder. Also called: SEMA3F-related condition.

gnomAD v4.1: 10 of 1,613,258 alleles (0.00062%); highest among the groups gnomAD compares: Admixed American, 0.017%; no homozygotes.

Submission:

PreventionGenetics, part of Exact Sciences
Classification: Likely benign for SEMA3F-related condition. Last evaluated: 2022-03-31. Review status: no assertion criteria provided. Collection method: clinical testing. Allele origin: germline.
Comment: This variant is classified as likely benign based on ACMG/AMP sequence variant interpretation guidelines (Richards et al. 2015 PMID: 25741868, with internal and published modifications).